The following is an entry in ClinVar:

ClinVar aggregate classification (germline): Pathogenic. Review status: criteria provided, single submitter (1 of 4 stars). 2 submissions from 2 submitters: Pathogenic (1). 1 of the submissions does not count toward it. Last evaluated 2023-07-08.

Conditions:
Cowden syndrome 7 (CWS7). Identifiers: Orphanet 201, MedGen C4225179, MONDO:0014802, OMIM 616858.
Congenital dyserythropoietic anemia, type II (CDAN2). Also called: DYSERYTHROPOIETIC ANEMIA, HEMPAS TYPE. Identifiers: Orphanet 98873, MedGen C1306589, MONDO:0009134, OMIM 224100.

Submissions (2):

Labcorp Genetics (formerly Invitae), Labcorp
Classification: Pathogenic for Congenital dyserythropoietic anemia, type II; Cowden syndrome 7. Last evaluated: 2023-07-08. Review status: criteria provided, single submitter. Criteria: Invitae Variant Classification Sherloc (09022015). Collection method: clinical testing. Allele origin: germline.
Comment: For these reasons, this variant has been classified as Pathogenic. Algorithms developed to predict the effect of sequence changes on RNA splicing suggest that this variant may disrupt the consensus splice site. ClinVar contains an entry for this variant (Variation ID: 1325045). This variant has not been reported in the literature in individuals affected with SEC23B-related conditions. This variant is present in population databases (no rsID available, gnomAD 0.007%). This sequence change creates a premature translational stop signal (p.Cys74Trpfs*30) in the SEC23B gene. It is expected to result in an absent or disrupted protein product. Loss-of-function variants in SEC23B are known to be pathogenic (PMID: 19561605, 25044164).

Revvity Omics, Revvity
Classification: Likely pathogenic. Last evaluated: 2021-07-29. Review status: no assertion criteria provided. Collection method: clinical testing. Allele origin: germline. Not counted in ClinVar's aggregate classification.

Literature cited by the submitters: PubMed 19561605 (cited by Labcorp Genetics (formerly Invitae), Labcorp); PubMed 25044164 (cited by Labcorp Genetics (formerly Invitae), Labcorp).

NC_000020.11:g.18512225_18512228del

Gene: SEC23B (SEC23 homolog B, COPII component; plus strand). Cytogenetic location: 20p11.23.
Variant type: Deletion.
Genome position: GRCh38 VCF-style: chr20-18512221-ACAGT-A. GRCh37 (hg19) VCF-style: chr20-18492865-ACAGT-A.
Identifiers: ClinVar variation 2924090 (VCV002924090.3), ClinGen allele CA634866573.